The following is an entry in ClinVar:

ClinVar aggregate classification (germline): Conflicting classifications of pathogenicity. Review status: criteria provided, conflicting classifications (1 of 4 stars). 3 submissions from 3 submitters: Uncertain significance (2); Likely benign (1). Last evaluated 2026-01-19.

Conditions:
Bethlem myopathy 1A. Also called: Bethlem myopathy 1; MYOPATHY, BENIGN CONGENITAL, WITH CONTRACTURES; Bethlem Muscular Dystrophy. Identifiers: Orphanet 610, MedGen CN029274, MONDO:0024530, OMIM 158810.

Allele frequency attached by ClinVar (database versions not stated): ExAC 0.00002; gnomAD exomes 0.00004; gnomAD 0.00011 and 0.00012; TOPMed 0.00013.

Submissions (3):

Labcorp Genetics (formerly Invitae), Labcorp
Classification: Likely benign for Bethlem myopathy 1A. Last evaluated: 2026-01-19. Review status: criteria provided, single submitter. Criteria: Invitae Variant Classification Sherloc (09022015). Collection method: clinical testing. Allele origin: germline.

Women's Health and Genetics/Laboratory Corporation of America, LabCorp
Classification: Uncertain significance. Last evaluated: 2024-05-06. Review status: criteria provided, single submitter. Criteria: LabCorp Variant Classification Summary - May 2015. Collection method: clinical testing. Allele origin: germline.
Comment: Variant summary: COL6A2 c.1963G>A (p.Glu655Lys) results in a conservative amino acid change located in the von Willebrand factor, type A (IPR002035) of the encoded protein sequence. Three of five in-silico tools predict a damaging effect of the variant on protein function. The variant allele was found at a frequency of 3.6e-05 in 248684 control chromosomes in the gnomAD database, including 1 homozygotes. The available data on variant occurrences in the general population are insufficient to allow any conclusion about variant significance. To our knowledge, no occurrence of c.1963G>A in individuals affected with Collagen Type VI-Related Disorders and no experimental evidence demonstrating its impact on protein function have been reported. ClinVar contains an entry for this variant (Variation ID: 283010). Based on the evidence outlined above, the variant was classified as uncertain significance.

Eurofins Ntd Llc (ga)
Classification: Uncertain significance. Last evaluated: 2015-09-03. Review status: criteria provided, single submitter. Criteria: EGL Classification Definitions 2015. Collection method: clinical testing. Allele origin: germline. Observed: 1 variant allele.

NM_001849.4(COL6A2):c.1963G>A (p.Glu655Lys)

Gene: COL6A2 (collagen type VI alpha 2 chain; plus strand). Cytogenetic location: 21q22.3.
Variant type: single nucleotide variant.
Coding change: c.1963G>A on transcript NM_001849.4 (MANE Select); coding-DNA position 1963, G replaced by A.
Protein change: p.Glu655Lys; replaces glutamic acid 655 with lysine.
Molecular consequence: missense variant.
Genome position (GRCh38, 1-based): chr21:46,125,611, G>A. VCF-style: chr21-46125611-G-A. GRCh37 (hg19) VCF-style: chr21-47545525-G-A.
Other names: c.1963G>A, p.Glu655Lys (NM_058174.3, NM_058175.3); short protein forms E655K.
Identifiers: ClinVar variation 283010 (VCV000283010.13), dbSNP rs771886065, ClinGen allele CA10072348.
Genomic context (GRCh38, chr21:46,125,611, plus strand): 5'-AAGAACTTCGTCATCAACGTGGTCAACAGGCTGGGTGCCATCGCTAAGGACCCCAAGTCC[G>A]AGACAGGTCAGCGGGGCAGGGGCGGGTGCAGCATTGCGGGGGGCCGGGCGGGGCGTGGGA-3'
Protein context (NP_001840.3, residues 645-665): LGAIAKDPKS[Glu655Lys]TGTRVGVVQY